The following is an entry in ClinVar:

NM_001326325.2(CELF2):c.16+5G>A

Gene: CELF2 (CUGBP Elav-like family member 2; plus strand). Cytogenetic location: 10p14.
Variant type: single nucleotide variant.
Coding change: c.16+5G>A on transcript NM_001326325.2; 5 bases into the intron after coding-DNA position 16, G replaced by A.
Molecular consequence: intron variant.
Genome position (GRCh38, 1-based): chr10:10,796,908, G>A. VCF-style: chr10-10796908-G-A. GRCh37 (hg19) VCF-style: chr10-10838871-G-A.
Other names: c.-149-49155G>A (NM_001326323.2, NM_001326320.2); c.-94+114414G>A (NM_001326319.2); c.-56+114414G>A (NM_001326321.2, NM_001326318.2, NM_001326317.2); c.-56+5G>A (NM_001326324.2).
Identifiers: ClinVar variation 3051355 (VCV003051355.2), dbSNP rs369822439, ClinGen allele CA203042028.

ClinVar aggregate classification (germline): Likely benign (0 of 4 stars; one submission).

Conditions:
CELF2-related disorder. Also called: CELF2-related condition.

Allele frequency attached by ClinVar (database versions not stated): gnomAD exomes 0.00005; TOPMed 0.00070; 1000 Genomes Project 30x 0.00062; gnomAD 0.00070; 1000 Genomes Project 0.00060.
gnomAD v4.1: 151 of 984,996 alleles (0.015%); highest among the groups gnomAD compares: African/African-American, 0.24%; no homozygotes.

Submission:

PreventionGenetics, part of Exact Sciences
Classification: Likely benign for CELF2-related condition. Last evaluated: 2022-08-10. Review status: no assertion criteria provided. Collection method: clinical testing. Allele origin: germline.
Comment: This variant is classified as likely benign based on ACMG/AMP sequence variant interpretation guidelines (Richards et al. 2015 PMID: 25741868, with internal and published modifications).